The following is an entry in ClinVar:

NM_002294.3(LAMP2):c.1117G>C (p.Asp373His)

Gene: LAMP2 (lysosome associated membrane protein 2; minus strand). Cytogenetic location: Xq24.
Variant type: single nucleotide variant.
Coding change: c.1117G>C on transcript NM_002294.3 (MANE Select); coding-DNA position 1117, G replaced by C.
Protein change: p.Asp373His; replaces aspartic acid 373 with histidine.
Molecular consequence: missense variant. On other transcripts: intron variant (1).
Genome position (GRCh38, 1-based): chrX:120,431,439, C>G on the plus strand (G>C on the coding strand, the complement: LAMP2 is on the minus strand). VCF-style: chrX-120431439-C-G. GRCh37 (hg19) VCF-style: chrX-119565294-C-G.
Other names: c.1094-2813G>C (NM_001122606.1); short protein forms D373H.
Identifiers: ClinVar variation 3649157 (VCV003649157.2).

ClinVar aggregate classification (germline): Uncertain significance (1 of 4 stars; one submission).

Conditions:
Danon disease. Also called: ANTOPOL DISEASE; PSEUDOGLYCOGENOSIS II; GSD IIb; LYSOSOMAL GLYCOGEN STORAGE DISEASE WITHOUT ACID MALTASE DEFICIENCY; Glycogen Storage Disease Type IIb. Identifiers: Orphanet 34587, MedGen C0878677, MONDO:0010281, OMIM 300257.

Submission:

Labcorp Genetics (formerly Invitae), Labcorp
Classification: Uncertain significance for Danon disease. Last evaluated: 2024-04-08. Review status: criteria provided, single submitter. Criteria: Invitae Variant Classification Sherloc (09022015). Collection method: clinical testing. Allele origin: germline.
Comment: This sequence change replaces aspartic acid, which is acidic and polar, with histidine, which is basic and polar, at codon 373 of the LAMP2 protein (p.Asp373His). This variant is not present in population databases (gnomAD no frequency). This variant has not been reported in the literature in individuals affected with LAMP2-related conditions. Advanced modeling of protein sequence and biophysical properties (such as structural, functional, and spatial information, amino acid conservation, physicochemical variation, residue mobility, and thermodynamic stability) performed at Invitae indicates that this missense variant is expected to disrupt LAMP2 protein function with a positive predictive value of 80%. Algorithms developed to predict the effect of sequence changes on RNA splicing suggest that this variant may disrupt the consensus splice site. In summary, the available evidence is currently insufficient to determine the role of this variant in disease. Therefore, it has been classified as a Variant of Uncertain Significance.